The following is an entry in ClinVar:

NM_001379500.1(COL18A1):c.2503A>C (p.Met835Leu)

Gene: COL18A1 (collagen type XVIII alpha 1 chain; plus strand). Cytogenetic location: 21q22.3.
Variant type: single nucleotide variant.
Coding change: c.2503A>C on transcript NM_001379500.1 (MANE Select); coding-DNA position 2503, A replaced by C.
Protein change: p.Met835Leu; replaces methionine 835 with leucine.
Molecular consequence: missense variant.
Genome position (GRCh38, 1-based): chr21:45,495,427, A>C. VCF-style: chr21-45495427-A-C. GRCh37 (hg19) VCF-style: chr21-46915341-A-C.
Other names: NM_130445.2:c.2503A>C; c.3043A>C, p.Met1015Leu (NM_030582.4); c.3748A>C, p.Met1250Leu (NM_130444.3); short protein forms M835L, M1015L, M1250L.
Identifiers: ClinVar variation 1525965 (VCV001525965.6), dbSNP rs926457920, ClinGen allele CA321919691.

ClinVar aggregate classification (germline): Uncertain significance. Review status: criteria provided, multiple submitters, no conflicts (2 of 4 stars). 2 submissions from 2 submitters: Uncertain significance (2). Last evaluated 2023-12-21.

Conditions:
Inborn genetic diseases. Identifiers: MedGen C0950123, MeSH D030342.

Allele frequency attached by ClinVar (database versions not stated): gnomAD 0.00002; TOPMed 0.00006.
gnomAD v4.1: 3 of 1,609,030 alleles (0.00019%); highest among the groups gnomAD compares: Admixed American, 0.005%; no homozygotes.

Submissions (2):

Ambry Genetics
Classification: Uncertain significance for Inborn genetic diseases. Last evaluated: 2023-12-21. Review status: criteria provided, single submitter. Criteria: Ambry Variant Classification Scheme 2023. Collection method: clinical testing. Allele origin: germline.

Labcorp Genetics (formerly Invitae), Labcorp
Classification: Uncertain significance. Last evaluated: 2021-10-10. Review status: criteria provided, single submitter. Criteria: Invitae Variant Classification Sherloc (09022015). Collection method: clinical testing. Allele origin: germline.
Comment: Experimental studies and prediction algorithms are not available or were not evaluated, and the functional significance of this variant is currently unknown. This variant has not been reported in the literature in individuals with COL18A1-related conditions. This variant is not present in population databases (ExAC no frequency). This sequence change replaces methionine with leucine at codon 835 of the COL18A1 protein (p.Met835Leu). There is a small physicochemical difference between methionine and leucine. In summary, the available evidence is currently insufficient to determine the role of this variant in disease. Therefore, it has been classified as a Variant of Uncertain Significance.